The following is an entry in ClinVar:

NM_001346810.2(DLGAP2):c.3117G>A (p.Glu1039=)

Genes: DLGAP2 (DLG associated protein 2; plus strand), LOC106783493 (conserved acetylation island sequence 7 enhancer; plus strand). Cytogenetic location: 8p23.3.
Variant type: single nucleotide variant.
Coding change: c.3117G>A on transcript NM_001346810.2 (MANE Select); coding-DNA position 3117, G replaced by A.
Protein change: p.Glu1039=; no amino-acid change (glutamic acid 1039 retained).
Molecular consequence: synonymous variant.
Genome position (GRCh38, 1-based): chr8:1,701,355, G>A. VCF-style: chr8-1701355-G-A. GRCh37 (hg19) VCF-style: chr8-1649521-G-A.
Identifiers: ClinVar variation 3037262 (VCV003037262.2), dbSNP rs773174801, ClinGen allele CA4599126.

ClinVar aggregate classification (germline): Likely benign (0 of 4 stars; one submission).

Conditions:
DLGAP2-related disorder. Also called: DLGAP2-related condition.

Allele frequency attached by ClinVar (database versions not stated): gnomAD 0.00011; gnomAD exomes 0.00024; TOPMed 0.00031; ExAC 0.00096.
gnomAD v4.1: 154 of 1,593,716 alleles (0.0097%); highest among the groups gnomAD compares: Admixed American, 0.27%; 1 homozygote.

Submission:

PreventionGenetics, part of Exact Sciences
Classification: Likely benign for DLGAP2-related condition. Last evaluated: 2019-05-01. Review status: no assertion criteria provided. Collection method: clinical testing. Allele origin: germline.
Comment: This variant is classified as likely benign based on ACMG/AMP sequence variant interpretation guidelines (Richards et al. 2015 PMID: 25741868, with internal and published modifications).